The following is an entry in ClinVar:

ClinVar aggregate classification (germline): Conflicting classifications of pathogenicity. Review status: criteria provided, conflicting classifications (1 of 4 stars). 2 submissions from 2 submitters: Uncertain significance (1); Likely benign (1). Last evaluated 2024-10-21.

Allele frequency attached by ClinVar (database versions not stated): ExAC 0.00001; gnomAD exomes 0.00001.
gnomAD v4.1: 5 of 1,613,104 alleles (0.00031%); highest among the groups gnomAD compares: Non-Finnish European, 0.00042%; no homozygotes.

Submissions (2):

Mayo Clinic Laboratories, Mayo Clinic
Classification: Likely benign. Last evaluated: 2024-10-21. Review status: criteria provided, single submitter. Criteria: ACMG Guidelines, 2015. Collection method: clinical testing. Allele origin: germline. Observed: 1 variant allele.
Comment: BS2, BP4

Labcorp Genetics (formerly Invitae), Labcorp
Classification: Uncertain significance. Last evaluated: 2022-05-15. Review status: criteria provided, single submitter. Criteria: Invitae Variant Classification Sherloc (09022015). Collection method: clinical testing. Allele origin: germline.
Comment: This sequence change replaces glutamine, which is neutral and polar, with glutamic acid, which is acidic and polar, at codon 1638 of the CAMTA1 protein (p.Gln1638Glu). This variant is present in population databases (rs778278187, gnomAD 0.003%). This variant has not been reported in the literature in individuals affected with CAMTA1-related conditions. Algorithms developed to predict the effect of missense changes on protein structure and function are either unavailable or do not agree on the potential impact of this missense change (SIFT: "Tolerated"; PolyPhen-2: "Probably Damaging"; Align-GVGD: "Class C0"). In summary, the available evidence is currently insufficient to determine the role of this variant in disease. Therefore, it has been classified as a Variant of Uncertain Significance.

NM_015215.4(CAMTA1):c.4912C>G (p.Gln1638Glu)

Gene: CAMTA1 (calmodulin binding transcription activator 1; plus strand). Cytogenetic location: 1p36.23.
Variant type: single nucleotide variant.
Coding change: c.4912C>G on transcript NM_015215.4 (MANE Select); coding-DNA position 4912, C replaced by G.
Protein change: p.Gln1638Glu; replaces glutamine 1638 with glutamic acid.
Molecular consequence: missense variant.
Genome position (GRCh38, 1-based): chr1:7,752,487, C>G. VCF-style: chr1-7752487-C-G. GRCh37 (hg19) VCF-style: chr1-7812547-C-G.
Other names: p.Gln1638Glu; c.4822C>G, p.Gln1608Glu (NM_001349608.2); c.4594C>G, p.Gln1532Glu (NM_001349609.2); c.4588C>G, p.Gln1530Glu (NM_001349610.2); c.4504C>G, p.Gln1502Glu (NM_001349612.2); c.2041C>G, p.Gln681Glu (NM_001349613.1); c.2005C>G, p.Gln669Glu (NM_001349614.1, NM_001349615.2, NM_001349616.2); c.1984C>G, p.Gln662Glu (NM_001349617.1, NM_001349618.2); and 2 more; short protein forms Q1532E, Q1608E, Q1638E, Q1502E, Q662E, Q669E, Q1530E, Q549E.
Identifiers: ClinVar variation 1468954 (VCV001468954.9), dbSNP rs778278187, ClinGen allele CA567284.